The following is an entry in ClinVar:

ClinVar aggregate classification (germline): Pathogenic (1 of 4 stars; one submission).

Conditions:
Polycystic kidney disease, adult type (PKD1). Also called: Polycystic Kidney, Autosomal Dominant; POLYCYSTIC KIDNEY DISEASE, ADULT, TYPE I; Polycystic Kidney Disease 1, Autosomal Dominant; Polycystic kidney disease 1; Polycystic kidney disease 1, severe; POLYCYSTIC KIDNEY DISEASE 1 WITH OR WITHOUT POLYCYSTIC LIVER DISEASE. Identifiers: MedGen C3149841, MONDO:0008263, OMIM 173900.

Submission:

3billion
Classification: Pathogenic for Polycystic kidney disease, adult type. Last evaluated: 2025-09-25. Review status: criteria provided, single submitter. Criteria: ACMG Guidelines, 2015. Collection method: clinical testing. Allele origin: germline. Affected: yes.
Comment: The variant is observed at an extremely low frequency in the gnomAD v4.1.0 dataset (total allele frequency: <0.001%). Predicted Consequence/Location: Frameshift: predicted to result in a loss or disruption of normal protein function through nonsense-mediated decay (NMD) or protein truncation. Multiple pathogenic variants are reported downstream of the variant. The variant has been reported to be associated with PKD1-related disorder (PMID: 21115670). Therefore, this variant is classified as Pathogenic according to the recommendation of ACMG/AMP guideline.

Literature cited by the submitters: PubMed 21115670.

NM_001009944.3(PKD1):c.6882_6883del (p.Ser2295fs)

Gene: PKD1 (polycystin 1, transient receptor potential channel interacting; minus strand). Cytogenetic location: 16p13.3.
Variant type: Deletion.
Coding change: c.6882_6883del on transcript NM_001009944.3 (MANE Select); coding-DNA positions 6882 to 6883, 2 bases deleted (CA; older notation c.6882_6883delCA).
Protein change: p.Ser2295fs; shifts the reading frame from serine 2295.
Molecular consequence: frameshift variant.
Genome position (GRCh38, 1-based): chr16:2,108,284-2,108,285, TG deleted on the plus strand (CA on the coding strand, the reverse complement: PKD1 is on the minus strand). VCF-style (leftmost placement, unchanged base first): chr16-2108283-CTG-C. GRCh37 (hg19) VCF-style: chr16-2158284-CTG-C.
Other names: c.6882_6883del, p.Ser2295fs (NM_000296.4); short protein forms S2295fs.
Identifiers: ClinVar variation 4855355 (VCV004855355.1).